The following is an entry in ClinVar:

NM_001371928.1(AHDC1):c.2995A>G (p.Ser999Gly)

Gene: AHDC1 (AT-hook DNA binding motif containing 1; minus strand). Cytogenetic location: 1p36.11.
Variant type: single nucleotide variant.
Coding change: c.2995A>G on transcript NM_001371928.1 (MANE Select); coding-DNA position 2995, A replaced by G.
Protein change: p.Ser999Gly; replaces serine 999 with glycine.
Molecular consequence: missense variant.
Genome position (GRCh38, 1-based): chr1:27,549,121, T>C on the plus strand (A>G on the coding strand, the complement: AHDC1 is on the minus strand). VCF-style: chr1-27549121-T-C. GRCh37 (hg19) VCF-style: chr1-27875632-T-C.
Other names: c.2995A>G, p.Ser999Gly (NM_001029882.3); short protein forms S999G.
Identifiers: ClinVar variation 2894436 (VCV002894436.3), dbSNP rs1340621995, ClinGen allele CA339228744.
Genomic context (GRCh38, chr1:27,549,121, plus strand): 5'-CGGCGCTGTGGGCGCTGCTGGGTGAGGCAGGGAGGCTGTTGCCACTGCCATAGGCGAAGC[T>C]GCAGTCCTTGCTGTTAGCGCAGTCCTGGCCTGTAAAGGGCTTAGTTGGGGCGAATACGCT-3'
Protein context (NP_001358857.1, residues 989-1009): GQDCANSKDC[Ser999Gly]FAYGSGNSLP

ClinVar aggregate classification (germline): Uncertain significance (1 of 4 stars; one submission).

Allele frequency attached by ClinVar (database versions not stated): gnomAD exomes below 0.00001; gnomAD 0.00001.
gnomAD v4.1: 2 of 1,552,518 alleles (0.00013%); highest among the groups gnomAD compares: Admixed American, 0.0037%; no homozygotes.

Submission:

Labcorp Genetics (formerly Invitae), Labcorp
Classification: Uncertain significance. Last evaluated: 2023-01-03. Review status: criteria provided, single submitter. Criteria: Invitae Variant Classification Sherloc (09022015). Collection method: clinical testing. Allele origin: germline.
Comment: This sequence change replaces serine, which is neutral and polar, with glycine, which is neutral and non-polar, at codon 999 of the AHDC1 protein (p.Ser999Gly). This variant is present in population databases (no rsID available, gnomAD 0.007%). This variant has not been reported in the literature in individuals affected with AHDC1-related conditions. Algorithms developed to predict the effect of missense changes on protein structure and function are either unavailable or do not agree on the potential impact of this missense change (SIFT: "Deleterious"; PolyPhen-2: "Benign"; Align-GVGD: "Class C0"). In summary, the available evidence is currently insufficient to determine the role of this variant in disease. Therefore, it has been classified as a Variant of Uncertain Significance.